The following is an entry in ClinVar:

NM_001371596.2(MFSD8):c.1516C>G (p.Leu506Val)

Gene: MFSD8 (major facilitator superfamily domain containing 8; minus strand). Cytogenetic location: 4q28.2.
Variant type: single nucleotide variant.
Coding change: c.1516C>G on transcript NM_001371596.2 (MANE Select); coding-DNA position 1516, C replaced by G.
Protein change: p.Leu506Val; replaces leucine 506 with valine.
Molecular consequence: missense variant.
Genome position (GRCh38, 1-based): chr4:127,920,671, G>C on the plus strand (C>G on the coding strand, the complement: MFSD8 is on the minus strand). VCF-style: chr4-127920671-G-C. GRCh37 (hg19) VCF-style: chr4-128841826-G-C.
Other names: c.1315C>G, p.Leu439Val (NM_001363520.3); c.1201C>G, p.Leu401Val (NM_001363521.3); c.1381C>G, p.Leu461Val (NM_001371590.2); c.1525C>G, p.Leu509Val (NM_001371591.2); c.1522C>G, p.Leu508Val (NM_001371592.2); c.1402C>G, p.Leu468Val (NM_001371593.2); c.1369C>G, p.Leu457Val (NM_001371594.2); c.1234C>G, p.Leu412Val (NM_001371595.1); and 3 more; short protein forms L506V, L401V, L439V, L412V, L457V, L461V, L468V, L508V.
Identifiers: ClinVar variation 347540 (VCV000347540.9), dbSNP rs570757797, ClinGen allele CA3077215.

ClinVar aggregate classification (germline): Uncertain significance. Review status: criteria provided, multiple submitters, no conflicts (2 of 4 stars). 2 submissions from 2 submitters: Uncertain significance (2). Last evaluated 2024-07-10.

Conditions:
Inborn genetic diseases. Identifiers: MedGen C0950123, MeSH D030342.
Neuronal ceroid lipofuscinosis 7 (CLN7). Also called: MFSD8-Related Neuronal Ceroid-Lipofuscinosis. Identifiers: Orphanet 168491, Orphanet 228366, MedGen C1838571, MONDO:0012588, OMIM 610951.

Allele frequency attached by ClinVar (database versions not stated): TOPMed below 0.00001; gnomAD 0.00002; ExAC 0.00006; 1000 Genomes Project 30x 0.00016; 1000 Genomes Project 0.00020.
gnomAD v4.1: 73 of 1,613,964 alleles (0.0045%); highest among the groups gnomAD compares: East Asian, 0.16%; no homozygotes.

Submissions (2):

Ambry Genetics
Classification: Uncertain significance for Inborn genetic diseases. Last evaluated: 2024-07-10. Review status: criteria provided, single submitter. Criteria: Ambry Variant Classification Scheme 2023. Collection method: clinical testing. Allele origin: germline.

Labcorp Genetics (formerly Invitae), Labcorp
Classification: Uncertain significance for Neuronal ceroid lipofuscinosis 7. Last evaluated: 2022-04-23. Review status: criteria provided, single submitter. Criteria: Invitae Variant Classification Sherloc (09022015). Collection method: clinical testing. Allele origin: germline.
Comment: This sequence change replaces leucine, which is neutral and non-polar, with valine, which is neutral and non-polar, at codon 506 of the MFSD8 protein (p.Leu506Val). This variant is present in population databases (rs570757797, gnomAD 0.08%). This variant has not been reported in the literature in individuals affected with MFSD8-related conditions. ClinVar contains an entry for this variant (Variation ID: 347540). Algorithms developed to predict the effect of missense changes on protein structure and function are either unavailable or do not agree on the potential impact of this missense change (SIFT: "Deleterious"; PolyPhen-2: "Probably Damaging"; Align-GVGD: "Class C0"). In summary, the available evidence is currently insufficient to determine the role of this variant in disease. Therefore, it has been classified as a Variant of Uncertain Significance.